The following is an entry in ClinVar:

NM_004369.4(COL6A3):c.4445A>T (p.Asn1482Ile)

Gene: COL6A3 (collagen type VI alpha 3 chain; minus strand). Cytogenetic location: 2q37.3.
Variant type: single nucleotide variant.
Coding change: c.4445A>T on transcript NM_004369.4 (MANE Select); coding-DNA position 4445, A replaced by T.
Protein change: p.Asn1482Ile; replaces asparagine 1482 with isoleucine.
Molecular consequence: missense variant.
Genome position (GRCh38, 1-based): chr2:237,369,018, T>A on the plus strand (A>T on the coding strand, the complement: COL6A3 is on the minus strand). VCF-style: chr2-237369018-T-A. GRCh37 (hg19) VCF-style: chr2-238277661-T-A.
Other names: c.2624A>T, p.Asn875Ile (NM_057166.5); c.3827A>T, p.Asn1276Ile (NM_057167.4); short protein forms N1276I, N1482I, N875I.
Identifiers: ClinVar variation 1002841 (VCV001002841.9), dbSNP rs2077622262, ClinGen allele CA351193314.
Genomic context (GRCh38, chr2:237,369,018, plus strand): 5'-GCGTCCAGCACCGGGGCCTGGGATCTGTAGGTTTTCAGATAGAATTCTGGGAAGACATCA[T>A]TGCTGAACTGCACGACCCCAACTCTCACTTTACTGGGGCCGATGTTGAGTCTTCGAACAA-3'
Protein context (NP_004360.2, residues 1472-1492): KVRVGVVQFS[Asn1482Ile]DVFPEFYLKT

ClinVar aggregate classification (germline): Uncertain significance (1 of 4 stars; one submission).

Conditions:
Bethlem myopathy 1A. Also called: Bethlem Muscular Dystrophy; MYOPATHY, BENIGN CONGENITAL, WITH CONTRACTURES; Bethlem myopathy 1. Identifiers: Orphanet 610, MedGen CN029274, MONDO:0024530, OMIM 158810.

Submission:

Labcorp Genetics (formerly Invitae), Labcorp
Classification: Uncertain significance for Bethlem myopathy 1A. Last evaluated: 2022-03-19. Review status: criteria provided, single submitter. Criteria: Invitae Variant Classification Sherloc (09022015). Collection method: clinical testing. Allele origin: germline.
Comment: In summary, the available evidence is currently insufficient to determine the role of this variant in disease. Therefore, it has been classified as a Variant of Uncertain Significance. Advanced modeling of protein sequence and biophysical properties (such as structural, functional, and spatial information, amino acid conservation, physicochemical variation, residue mobility, and thermodynamic stability) performed at Invitae indicates that this missense variant is not expected to disrupt COL6A3 protein function. ClinVar contains an entry for this variant (Variation ID: 1002841). This variant has not been reported in the literature in individuals affected with COL6A3-related conditions. This variant is not present in population databases (gnomAD no frequency). This sequence change replaces asparagine, which is neutral and polar, with isoleucine, which is neutral and non-polar, at codon 1482 of the COL6A3 protein (p.Asn1482Ile).